The following is an entry in ClinVar:

ClinVar aggregate classification (germline): Uncertain significance (1 of 4 stars; one submission).

Allele frequency attached by ClinVar (database versions not stated): TOPMed below 0.00001; gnomAD exomes 0.00001.
gnomAD v4.1: 4 of 1,612,916 alleles (0.00025%); highest among the groups gnomAD compares: Non-Finnish European, 0.00034%; no homozygotes.

Submission:

Labcorp Genetics (formerly Invitae), Labcorp
Classification: Uncertain significance. Last evaluated: 2024-10-16. Review status: criteria provided, single submitter. Criteria: Invitae Variant Classification Sherloc (09022015). Collection method: clinical testing. Allele origin: germline.
Comment: This sequence change replaces asparagine, which is neutral and polar, with tyrosine, which is neutral and polar, at codon 425 of the OTOGL protein (p.Asn425Tyr). This variant is not present in population databases (gnomAD no frequency). This variant has not been reported in the literature in individuals affected with OTOGL-related conditions. ClinVar contains an entry for this variant (Variation ID: 2169996). An algorithm developed to predict the effect of missense changes on protein structure and function (PolyPhen-2) suggests that this variant is likely to be disruptive. In summary, the available evidence is currently insufficient to determine the role of this variant in disease. Therefore, it has been classified as a Variant of Uncertain Significance.

NM_001378609.3(OTOGL):c.1300A>T (p.Asn434Tyr)

Gene: OTOGL (otogelin like; plus strand). Cytogenetic location: 12q21.31.
Variant type: single nucleotide variant.
Coding change: c.1300A>T on transcript NM_001378609.3 (MANE Select); coding-DNA position 1300, A replaced by T.
Protein change: p.Asn434Tyr; replaces asparagine 434 with tyrosine.
Molecular consequence: missense variant.
Genome position (GRCh38, 1-based): chr12:80,253,480, A>T. VCF-style: chr12-80253480-A-T. GRCh37 (hg19) VCF-style: chr12-80647260-A-T.
Other names: c.1300A>T, p.Asn434Tyr (NM_001368062.3, NM_001378610.3, NM_173591.7); short protein forms N434Y.
Identifiers: ClinVar variation 2169996 (VCV002169996.4), dbSNP rs1881752126, ClinGen allele CA385852876.